The following is an entry in ClinVar:

NM_020708.5(SLC12A5):c.2554C>T (p.Arg852Trp)

Gene: SLC12A5 (solute carrier family 12 member 5; plus strand). Cytogenetic location: 20q13.12.
Variant type: single nucleotide variant.
Coding change: c.2554C>T on transcript NM_020708.5 (MANE Select); coding-DNA position 2554, C replaced by T.
Protein change: p.Arg852Trp; replaces arginine 852 with tryptophan.
Molecular consequence: missense variant.
Genome position (GRCh38, 1-based): chr20:46,053,584, C>T. VCF-style: chr20-46053584-C-T. GRCh37 (hg19) VCF-style: chr20-44682223-C-T.
Other names: c.2623C>T, p.Arg875Trp (NM_001134771.2); short protein forms R852W, R875W.
Identifiers: ClinVar variation 1010802 (VCV001010802.10), dbSNP rs1332402437, ClinGen allele CA409205647.

ClinVar aggregate classification (germline): Uncertain significance (1 of 4 stars; one submission).

Conditions:
Developmental and epileptic encephalopathy, 34 (DEE34). Also called: SLC12A5-Related Epilepsy of Infancy with Migrating Focal Seizures; Early infantile epileptic encephalopathy 34. Identifiers: Orphanet 293181, MedGen C4225257, MONDO:0014718, OMIM 616645.

Allele frequency attached by ClinVar (database versions not stated): TOPMed below 0.00001; gnomAD 0.00001; gnomAD exomes 0.00002.

Submission:

Labcorp Genetics (formerly Invitae), Labcorp
Classification: Uncertain significance for Developmental and epileptic encephalopathy, 34. Last evaluated: 2020-07-21. Review status: criteria provided, single submitter. Criteria: Invitae Variant Classification Sherloc (09022015). Collection method: clinical testing. Allele origin: germline.
Comment: This variant has not been reported in the literature in individuals with SLC12A5-related conditions. This variant is not present in population databases (ExAC no frequency). This sequence change replaces arginine with tryptophan at codon 852 of the SLC12A5 protein (p.Arg852Trp). The arginine residue is moderately conserved and there is a moderate physicochemical difference between arginine and tryptophan. Algorithms developed to predict the effect of missense changes on protein structure and function (SIFT, PolyPhen-2, Align-GVGD) all suggest that this variant is likely to be disruptive, but these predictions have not been confirmed by published functional studies and their clinical significance is uncertain. In summary, the available evidence is currently insufficient to determine the role of this variant in disease. Therefore, it has been classified as a Variant of Uncertain Significance.